The following is an entry in ClinVar:

NM_001987.5(ETV6):c.668C>A (p.Pro223Gln)

Gene: ETV6 (ETS variant transcription factor 6; plus strand). Cytogenetic location: 12p13.2.
Variant type: single nucleotide variant.
Coding change: c.668C>A on transcript NM_001987.5 (MANE Select); coding-DNA position 668, C replaced by A.
Protein change: p.Pro223Gln; replaces proline 223 with glutamine.
Molecular consequence: missense variant.
Genome position (GRCh38, 1-based): chr12:11,869,628, C>A. VCF-style: chr12-11869628-C-A. GRCh37 (hg19) VCF-style: chr12-12022562-C-A.
Other names: c.665C>A, p.Pro222Gln (NM_001413913.1); c.641C>A, p.Pro214Gln (NM_001413914.1); c.404C>A, p.Pro135Gln (NM_001413915.1); c.668C>A, p.Pro223Gln (NM_001413916.1, NM_001413917.1); short protein forms P214Q, P135Q, P223Q, P222Q.
Identifiers: ClinVar variation 4251487 (VCV004251487.1).
Genomic context (GRCh38, chr12:11,869,628, plus strand): 5'-CCCCCCTGGACAACATGATCCGCCGCCTCTCCCCGGCTGAGAGAGCTCAGGGACCCAGGC[C>A]GCACCAGGAGAACAACCACCAGGAGTCCTACCCTCTGTCAGTGTCTCCCATGGAGAATAA-3'
Protein context (NP_001978.1, residues 213-233): SPAERAQGPR[Pro223Gln]HQENNHQESY

ClinVar aggregate classification (germline): Uncertain significance (1 of 4 stars; one submission).

Conditions:
Inborn genetic diseases. Identifiers: MedGen C0950123, MeSH D030342.

Submission:

Ambry Genetics
Classification: Uncertain significance for Inborn genetic diseases. Last evaluated: 2025-08-24. Review status: criteria provided, single submitter. Criteria: Ambry Variant Classification Scheme 2023. Collection method: clinical testing. Allele origin: germline.
Comment: The p.P223Q variant (also known as c.668C>A), located in coding exon 5 of the ETV6 gene, results from a C to A substitution at nucleotide position 668. The proline at codon 223 is replaced by glutamine, an amino acid with similar properties. This amino acid position is conserved. In addition, this alteration is predicted to be tolerated by in silico analysis. Based on the available evidence, the clinical significance of this variant remains unclear.